The following is an entry in ClinVar:

NM_024312.5(GNPTAB):c.185del (p.Gly62fs)

Gene: GNPTAB (N-acetylglucosamine-1-phosphate transferase subunits alpha and beta; minus strand). Cytogenetic location: 12q23.2.
Variant type: Deletion.
Coding change: c.185del on transcript NM_024312.5 (MANE Select); coding-DNA position 185, one base deleted (G; older notation c.185delG).
Protein change: p.Gly62fs; shifts the reading frame from glycine 62.
Molecular consequence: frameshift variant.
Genome position (GRCh38, 1-based): chr12:101,796,695, C deleted on the plus strand (G on the coding strand, the reverse complement: GNPTAB is on the minus strand); the first of 2 consecutive C bases (chr12:101,796,695-101,796,696); deleting either gives the same sequence. VCF-style (leftmost placement, unchanged base first): chr12-101796694-TC-T. GRCh37 (hg19) VCF-style: chr12-102190472-TC-T.
Other names: short protein forms G62fs.
Identifiers: ClinVar variation 4816138 (VCV004816138.1).

ClinVar aggregate classification (germline): Likely pathogenic (1 of 4 stars; one submission).

Conditions:
Mucolipidosis type II. Also called: ML II ALPHA/BETA; Mucolipidosis 2; ML 2; Inclusion cell disease; Leroy Disease; N-acetylglucosamine 1phosphotransferase deficiency. Identifiers: Orphanet 576, MedGen C2673377, MONDO:0009650, OMIM 252500.

Submission:

Natera, Inc.
Classification: Likely pathogenic for Mucolipidosis type II. Last evaluated: 2025-09-22. Review status: criteria provided, single submitter. Criteria: Natera Variant Classification Schema (03/2026). Collection method: clinical testing. Allele origin: germline.
Comment: The c.185del variant in GNPTAB is a frameshift variant predicted to shift the reading frame beginning at codon 62 and leads to a stop codon 21 codons downstream. This variant is expected to result in nonsense mediated decay, truncation, or a dysfunctional protein product. This variant is rare in the general population with a frequency below the threshold expected for the associated phenotype(s). Given the available evidence, this variant is classified as Likely Pathogenic.